The following is an entry in ClinVar:

NM_178012.5(TUBB2B):c.1139G>A (p.Arg380His)

Gene: TUBB2B (tubulin beta 2B class IIb; minus strand). Cytogenetic location: 6p25.2.
Variant type: single nucleotide variant.
Coding change: c.1139G>A on transcript NM_178012.5 (MANE Select); coding-DNA position 1139, G replaced by A.
Protein change: p.Arg380His; replaces arginine 380 with histidine.
Molecular consequence: missense variant.
Genome position (GRCh38, 1-based): chr6:3,224,950, C>T on the plus strand (G>A on the coding strand, the complement: TUBB2B is on the minus strand). VCF-style: chr6-3224950-C-T. GRCh37 (hg19) VCF-style: chr6-3225184-C-T.
Other names: NM_178012.5(TUBB2B):c.1139G>A; p.Arg380His; short protein forms R380H.
Identifiers: ClinVar variation 2498169 (VCV002498169.6), dbSNP rs587784498, ClinGen allele CA362585256.

ClinVar aggregate classification (germline): Pathogenic/Likely pathogenic. Review status: criteria provided, multiple submitters, no conflicts (2 of 4 stars). 4 submissions from 4 submitters: Pathogenic (1); Likely pathogenic (3). Last evaluated 2024-08-15.

Conditions:
TUBB2B-related disorder. Also called: TUBB2B-related condition.
Complex cortical dysplasia with other brain malformations 7. Identifiers: Orphanet 300573, MedGen C3552236, MONDO:0012399, OMIM 610031.

Submissions (4):

Labcorp Genetics (formerly Invitae), Labcorp
Classification: Pathogenic. Last evaluated: 2024-08-15. Review status: criteria provided, single submitter. Criteria: Invitae Variant Classification Sherloc (09022015). Collection method: clinical testing. Allele origin: germline.
Comment: This sequence change replaces arginine, which is basic and polar, with histidine, which is basic and polar, at codon 380 of the TUBB2B protein (p.Arg380His). This variant is not present in population databases (gnomAD no frequency). This missense change has been observed in individual(s) with cortical brain malformation (Invitae). In at least one individual the variant was observed to be de novo. ClinVar contains an entry for this variant (Variation ID: 2498169). Invitae Evidence Modeling of protein sequence and biophysical properties (such as structural, functional, and spatial information, amino acid conservation, physicochemical variation, residue mobility, and thermodynamic stability) indicates that this missense variant is expected to disrupt TUBB2B protein function with a positive predictive value of 80%. This variant disrupts the p.Arg380 amino acid residue in TUBB2B. Other variant(s) that disrupt this residue have been observed in individuals with TUBB2B-related conditions (PMID: 25140959, 31481326), which suggests that this may be a clinically significant amino acid residue. For these reasons, this variant has been classified as Pathogenic.

Broad Center for Mendelian Genomics, Broad Institute of MIT and Harvard
Classification: Likely pathogenic for Complex cortical dysplasia with other brain malformations 7. Last evaluated: 2024-05-22. Review status: criteria provided, single submitter. Criteria: ACMG Guidelines, 2015. Collection method: curation. Allele origin: germline. Inheritance: Autosomal dominant inheritance.
Comment: Trio exome analysis showed this variant to be de novo. The variant has not been previously reported in individuals with cortical dysplasia, complex, with other brain malformations 7 and was absent from large population studies. This variant has been reported in ClinVar (Variation ID: 2498169) and has been interpreted as uncertain significance by Invitae and likely pathogenic by Oxford Medical Genetics Laboratories. Computational prediction tools and conservation analyses suggest that this variant may impact the protein, though this information is not predictive enough to determine pathogenicity. The number of missense variants reported in TUBB2B in the general population is lower than expected, suggesting there is little benign variation in this gene and slightly increasing the possibility that a missense variant in this gene may not be tolerated. Two additional likely pathogenic and pathogenic variants, resulting in a different amino acid change at the same position, (p.Arg380Leu and Arg380Cys), have been reported in association with disease in the literature, supporting that a change at this position may not be tolerated (Variation IDs: 160177, 1214258). In summary, although additional studies are required to fully establish its clinical significance, this variant is likely pathogenic for autosomal dominant cortical dysplasia, complex, with other brain malformations 7. ACMG/AMP Criteria applied: PS2_Supporting, PM2_Supporting, PP3_Moderate, PP2, PM5 (Richards 2015).

Oxford Medical Genetics Laboratories, Oxford University Hospitals NHS Foundation Trust
Classification: Likely pathogenic for Complex cortical dysplasia with other brain malformations 7. Last evaluated: 2023-03-23. Review status: criteria provided, single submitter. Criteria: ACMG Guidelines, 2015. Collection method: clinical testing. Allele origin: de novo. Affected: yes.

Blueprint Genetics
Classification: Likely pathogenic for TUBB2B-related disorders. Last evaluated: 2020-04-09. Review status: criteria provided, single submitter. Criteria: ACMG Guidelines, 2015. Collection method: clinical testing. Allele origin: germline. Affected: yes. Observed: 1 variant allele.

Literature cited by the submitters: PubMed 25140959 (cited by Labcorp Genetics (formerly Invitae), Labcorp); PubMed 31481326 (cited by Labcorp Genetics (formerly Invitae), Labcorp).